The following is an entry in ClinVar:

NM_005670.4(EPM2A):c.447T>G (p.Ile149Met)

Gene: EPM2A (EPM2A glucan phosphatase, laforin; minus strand). Cytogenetic location: 6q24.3.
Variant type: single nucleotide variant.
Coding change: c.447T>G on transcript NM_005670.4 (MANE Select); coding-DNA position 447, T replaced by G.
Protein change: p.Ile149Met; replaces isoleucine 149 with methionine.
Molecular consequence: missense variant. On other transcripts: 5 prime UTR variant (2), non-coding transcript variant (1).
Genome position (GRCh38, 1-based): chr6:145,686,151, A>C on the plus strand (T>G on the coding strand, the complement: EPM2A is on the minus strand). VCF-style: chr6-145686151-A-C. GRCh37 (hg19) VCF-style: chr6-146007287-A-C.
Other names: c.447T>G, p.Ile149Met (NM_001018041.2, NM_001360057.2, NM_001368130.1); c.33T>G, p.Ile11Met (NM_001360064.2, NM_001360071.2, NM_001368131.1); c.-177T>G (NM_001368129.2, NM_001368132.1); short protein forms I149M, I11M.
Identifiers: ClinVar variation 1480913 (VCV001480913.8), dbSNP rs2128614175, ClinGen allele CA366188244.

ClinVar aggregate classification (germline): Uncertain significance (1 of 4 stars; one submission).

Conditions:
Progressive myoclonic epilepsy. Also called: Myoclonus epilepsy; Progressive myoclonus epilepsy; Familial progressive myoclonic epilepsy; Myoclonic Epilepsies, Progressive. Identifiers: Orphanet 308, Orphanet 98261, MedGen C0751778, MONDO:0020074.

Allele frequency attached by ClinVar (database versions not stated): gnomAD exomes below 0.00001.
gnomAD v4.1: 1 of 1,613,952 alleles (0.000062%); highest among the groups gnomAD compares: African/African-American, 0.0013%; no homozygotes.

Submission:

Labcorp Genetics (formerly Invitae), Labcorp
Classification: Uncertain significance for Progressive myoclonic epilepsy. Last evaluated: 2023-11-27. Review status: criteria provided, single submitter. Criteria: Invitae Variant Classification Sherloc (09022015). Collection method: clinical testing. Allele origin: germline.
Comment: This sequence change replaces isoleucine, which is neutral and non-polar, with methionine, which is neutral and non-polar, at codon 149 of the EPM2A protein (p.Ile149Met). This variant is not present in population databases (gnomAD no frequency). This variant has not been reported in the literature in individuals affected with EPM2A-related conditions. ClinVar contains an entry for this variant (Variation ID: 1480913). Advanced modeling of protein sequence and biophysical properties (such as structural, functional, and spatial information, amino acid conservation, physicochemical variation, residue mobility, and thermodynamic stability) has been performed at Invitae for this missense variant, however the output from this modeling did not meet the statistical confidence thresholds required to predict the impact of this variant on EPM2A protein function. In summary, the available evidence is currently insufficient to determine the role of this variant in disease. Therefore, it has been classified as a Variant of Uncertain Significance.